The following is an entry in ClinVar:

NM_152383.5(DIS3L2):c.2476G>C (p.Glu826Gln)

Gene: DIS3L2 (DIS3 like 3'-5' exoribonuclease 2; plus strand). Cytogenetic location: 2q37.1.
Variant type: single nucleotide variant.
Coding change: c.2476G>C on transcript NM_152383.5 (MANE Select); coding-DNA position 2476, G replaced by C.
Protein change: p.Glu826Gln; replaces glutamic acid 826 with glutamine.
Molecular consequence: missense variant. On other transcripts: non-coding transcript variant (2), intron variant (1).
Genome position (GRCh38, 1-based): chr2:232,335,854, G>C. VCF-style: chr2-232335854-G-C. GRCh37 (hg19) VCF-style: chr2-233200564-G-C.
Other names: c.1582-7491G>C (NM_001257281.2); short protein forms E826Q.
Identifiers: ClinVar variation 645182 (VCV000645182.10), dbSNP rs201189209, ClinGen allele CA350978312.

ClinVar aggregate classification (germline): Uncertain significance (1 of 4 stars; one submission).

Conditions:
Perlman syndrome (PRLMNS). Identifiers: Orphanet 2849, MedGen C0796113, MONDO:0009965, OMIM 267000.

Allele frequency attached by ClinVar (database versions not stated): TOPMed below 0.00001; gnomAD 0.00001.
gnomAD v4.1: 5 of 1,550,660 alleles (0.00032%); highest among the groups gnomAD compares: Admixed American, 0.002%; no homozygotes.

Submission:

Labcorp Genetics (formerly Invitae), Labcorp
Classification: Uncertain significance for Perlman syndrome. Last evaluated: 2025-03-29. Review status: criteria provided, single submitter. Criteria: Invitae Variant Classification Sherloc (09022015). Collection method: clinical testing. Allele origin: germline.
Comment: This sequence change replaces glutamic acid, which is acidic and polar, with glutamine, which is neutral and polar, at codon 826 of the DIS3L2 protein (p.Glu826Gln). This variant is present in population databases (no rsID available, gnomAD 0.001%). This variant has not been reported in the literature in individuals affected with DIS3L2-related conditions. ClinVar contains an entry for this variant (Variation ID: 645182). Invitae Evidence Modeling of protein sequence and biophysical properties (such as structural, functional, and spatial information, amino acid conservation, physicochemical variation, residue mobility, and thermodynamic stability) indicates that this missense variant is not expected to disrupt DIS3L2 protein function with a negative predictive value of 80%. In summary, the available evidence is currently insufficient to determine the role of this variant in disease. Therefore, it has been classified as a Variant of Uncertain Significance.